The following is an entry in ClinVar:

NM_003072.5(SMARCA4):c.4279_4284dup (p.Ser1427_Thr1428dup)

Gene: SMARCA4 (SWI/SNF related BAF chromatin remodeling complex subunit ATPase 4; plus strand). Cytogenetic location: 19p13.2.
Variant type: Duplication.
Coding change: c.4279_4284dup on transcript NM_003072.5 (MANE Select); coding-DNA positions 4279 to 4284, 6 bases duplicated (AGCACC; older notation c.4279_4284dupAGCACC).
Protein change: p.Ser1427_Thr1428dup.
Molecular consequence: inframe insertion. On other transcripts: non-coding transcript variant (1).
Genome position (GRCh38, 1-based): chr19:11,041,415-11,041,420, AGCACC duplicated; duplicating any 6 consecutive bases within chr19:11,041,411-11,041,420 gives the same sequence; the c. name uses the placement nearest the transcript's 3' end. VCF-style (leftmost placement, unchanged base first): chr19-11041410-C-CCACCAG. GRCh37 (hg19) VCF-style: chr19-11152086-C-CCACCAG.
Other names: c.4279_4284dup, p.Ser1427_Thr1428dup (NM_001128844.3); c.4189_4194dup, p.Ser1397_Thr1398dup (NM_001128845.2, NM_001128846.2); c.4180_4185dup, p.Ser1394_Thr1395dup (NM_001128847.4, NM_001128848.2, NM_001374457.1); c.4375_4380dup, p.Ser1459_Thr1460dup (NM_001128849.3, NM_001387283.1); c.4375_4380dupAGCACC (NM_001128849.1).
Identifiers: ClinVar variation 1052937 (VCV001052937.10), dbSNP rs2146817173, ClinGen allele CA2499225301.

ClinVar aggregate classification (germline): Uncertain significance. Review status: criteria provided, multiple submitters, no conflicts (2 of 4 stars). 2 submissions from 2 submitters: Uncertain significance (2). Last evaluated 2024-08-26.

Conditions:
Hereditary cancer-predisposing syndrome. Also called: Tumor predisposition; Hereditary neoplastic syndrome; Hereditary Cancer Syndrome; Neoplastic Syndromes, Hereditary. Identifiers: Orphanet 140162, MedGen C0027672, MeSH D009386, MONDO:0015356.
Rhabdoid tumor predisposition syndrome 2 (RTPS2). Identifiers: Orphanet 231108, Orphanet 69077, MedGen C2750074, MONDO:0013224, OMIM 613325.

Submissions (2):

Ambry Genetics
Classification: Uncertain significance for Hereditary cancer-predisposing syndrome. Last evaluated: 2024-08-26. Review status: criteria provided, single submitter. Criteria: Ambry Variant Classification Scheme 2023. Collection method: clinical testing. Allele origin: germline.
Comment: The c.4375_4380dupAGCACC variant (also known as p.S1459_T1460dup), located in coding exon 30 of the SMARCA4 gene, results from an in-frame duplication of AGCACC at nucleotide positions 4375 to 4380. This results in the duplication of 2 extra residues (ST) at codons 1459 and 1460. This amino acid region is highly conserved through mammals but not in all available vertebrate species. In addition, this alteration is predicted to be neutral by in silico analysis (Choi Y et al. PLoS ONE. 2012; 7(10):e46688). Based on the available evidence, the clinical significance of this variant remains unclear.

Labcorp Genetics (formerly Invitae), Labcorp
Classification: Uncertain significance for Rhabdoid tumor predisposition syndrome 2. Last evaluated: 2023-06-23. Review status: criteria provided, single submitter. Criteria: Invitae Variant Classification Sherloc (09022015). Collection method: clinical testing. Allele origin: germline.
Comment: This variant, c.4375_4380dup, results in the insertion of 2 amino acid(s) of the SMARCA4 protein (p.Ser1459_Thr1460dup), but otherwise preserves the integrity of the reading frame. This variant is not present in population databases (gnomAD no frequency). This variant has not been reported in the literature in individuals affected with SMARCA4-related conditions. ClinVar contains an entry for this variant (Variation ID: 1052937). Experimental studies and prediction algorithms are not available or were not evaluated, and the functional significance of this variant is currently unknown. In summary, the available evidence is currently insufficient to determine the role of this variant in disease. Therefore, it has been classified as a Variant of Uncertain Significance.